The following is an entry in ClinVar:

ClinVar aggregate classification (germline): Uncertain significance (1 of 4 stars; one submission).

gnomAD v4.1: 4 of 1,603,370 alleles (0.00025%); highest among the groups gnomAD compares: South Asian, 0.0011%; no homozygotes.

Submission:

Labcorp Genetics (formerly Invitae), Labcorp
Classification: Uncertain significance. Last evaluated: 2022-08-22. Review status: criteria provided, single submitter. Criteria: Invitae Variant Classification Sherloc (09022015). Collection method: clinical testing. Allele origin: germline.
Comment: This sequence change replaces alanine, which is neutral and non-polar, with valine, which is neutral and non-polar, at codon 268 of the SLC18A3 protein (p.Ala268Val). This variant is not present in population databases (gnomAD no frequency). This variant has not been reported in the literature in individuals affected with SLC18A3-related conditions. Algorithms developed to predict the effect of missense changes on protein structure and function output the following: SIFT: "Tolerated"; PolyPhen-2: "Possibly Damaging"; Align-GVGD: "Class C0". The valine amino acid residue is found in multiple mammalian species, which suggests that this missense change does not adversely affect protein function. In summary, the available evidence is currently insufficient to determine the role of this variant in disease. Therefore, it has been classified as a Variant of Uncertain Significance.

NM_003055.3(SLC18A3):c.803C>T (p.Ala268Val)

Genes: SLC18A3 (solute carrier family 18 member A3; plus strand), CHAT (choline O-acetyltransferase; plus strand). Cytogenetic location: 10q11.23.
Variant type: single nucleotide variant.
Coding change: c.803C>T on transcript NM_003055.3 (MANE Select); coding-DNA position 803, C replaced by T.
Protein change: p.Ala268Val; replaces alanine 268 with valine.
Molecular consequence: missense variant. On other transcripts: intron variant (1).
Genome position (GRCh38, 1-based): chr10:49,611,543, C>T. VCF-style: chr10-49611543-C-T. GRCh37 (hg19) VCF-style: chr10-50819589-C-T.
Other names: c.-69+2344C>T (NM_020984.4); short protein forms A268V.
Identifiers: ClinVar variation 2109767 (VCV002109767.1), dbSNP rs752851633, ClinGen allele CA376720850.